The following is an entry in ClinVar:

ClinVar aggregate classification (germline): Uncertain significance (1 of 4 stars; one submission).

Conditions:
Short-rib thoracic dysplasia 6 with or without polydactyly (SRTD6). Also called: POLYDACTYLY WITH NEONATAL CHONDRODYSTROPHY, TYPE II; SHORT RIB-POLYDACTYLY SYNDROME, TYPE IIA; Majewski Syndrome; SHORT-RIB THORACIC DYSPLASIA 6 WITH POLYDACTYLY; SHORT-RIB THORACIC DYSPLASIA 6 WITHOUT POLYDACTYLY. Identifiers: MedGen C0024507, MONDO:0009894, OMIM 263520.

Submission:

Labcorp Genetics (formerly Invitae), Labcorp
Classification: Uncertain significance for Short-rib thoracic dysplasia 6 with or without polydactyly. Last evaluated: 2024-10-24. Review status: criteria provided, single submitter. Criteria: Invitae Variant Classification Sherloc (09022015). Collection method: clinical testing. Allele origin: germline.
Comment: This sequence change replaces histidine, which is basic and polar, with proline, which is neutral and non-polar, at codon 988 of the NEK1 protein (p.His988Pro). This variant is not present in population databases (gnomAD no frequency). This variant has not been reported in the literature in individuals affected with NEK1-related conditions. Invitae Evidence Modeling of protein sequence and biophysical properties (such as structural, functional, and spatial information, amino acid conservation, physicochemical variation, residue mobility, and thermodynamic stability) indicates that this missense variant is not expected to disrupt NEK1 protein function with a negative predictive value of 80%. In summary, the available evidence is currently insufficient to determine the role of this variant in disease. Therefore, it has been classified as a Variant of Uncertain Significance.

NM_001199397.3(NEK1):c.3047A>C (p.His1016Pro)

Gene: NEK1 (NIMA related kinase 1; minus strand). Cytogenetic location: 4q33.
Variant type: single nucleotide variant.
Coding change: c.3047A>C on transcript NM_001199397.3 (MANE Select); coding-DNA position 3047, A replaced by C.
Protein change: p.His1016Pro; replaces histidine 1016 with proline.
Molecular consequence: missense variant. On other transcripts: non-coding transcript variant (1).
Genome position (GRCh38, 1-based): chr4:169,424,728, T>G on the plus strand (A>C on the coding strand, the complement: NEK1 is on the minus strand). VCF-style: chr4-169424728-T-G. GRCh37 (hg19) VCF-style: chr4-170345879-T-G.
Other names: c.2831A>C, p.His944Pro (NM_001199400.3); c.3047A>C, p.His1016Pro (NM_001374418.1); c.2963A>C, p.His988Pro (NM_001374419.1, NM_012224.4); c.2912A>C, p.His971Pro (NM_001374420.1); c.2564A>C, p.His855Pro (NM_001374421.1); c.2915A>C, p.His972Pro (NM_001199398.3); c.2756A>C, p.His919Pro (NM_001199399.3); short protein forms H855P, H919P, H971P, H972P, H1016P, H944P, H988P.
Identifiers: ClinVar variation 3720782 (VCV003720782.2).